The following is an entry in ClinVar:

NM_004006.3(DMD):c.6259A>G (p.Lys2087Glu)

Gene: DMD (dystrophin; minus strand). Cytogenetic location: Xp21.1.
Variant type: single nucleotide variant.
Coding change: c.6259A>G on transcript NM_004006.3 (MANE Select); coding-DNA position 6259, A replaced by G.
Protein change: p.Lys2087Glu; replaces lysine 2087 with glutamic acid.
Molecular consequence: missense variant.
Genome position (GRCh38, 1-based): chrX:32,287,560, T>C on the plus strand (A>G on the coding strand, the complement: DMD is on the minus strand). VCF-style: chrX-32287560-T-C. GRCh37 (hg19) VCF-style: chrX-32305677-T-C.
Other names: c.6235A>G, p.Lys2079Glu (NM_000109.4); c.6247A>G, p.Lys2083Glu (NM_004009.3); c.5890A>G, p.Lys1964Glu (NM_004010.3); c.2236A>G, p.Lys746Glu (NM_004011.4); c.2227A>G, p.Lys743Glu (NM_004012.4); short protein forms K1964E, K2079E, K2083E, K2087E, K743E, K746E.
Identifiers: ClinVar variation 1051734 (VCV001051734.11), dbSNP rs2148456625, ClinGen allele CA412665723.

ClinVar aggregate classification (germline): Uncertain significance. Review status: criteria provided, single submitter (1 of 4 stars). 2 submissions from 2 submitters: Uncertain significance (1). 1 of the submissions does not count toward it. Last evaluated 2020-02-06.

Conditions:
Cardiomyopathy (CMYO). Also called: Cardiomyopathies. Identifiers: Orphanet 167848, MedGen C0878544, MONDO:0004994, HP:0001638. Inheritance: Various modes of inheritance.
Dystrophin deficiency.
Duchenne muscular dystrophy (DMD). Also called: MUSCULAR DYSTROPHY, PSEUDOHYPERTROPHIC PROGRESSIVE, DUCHENNE TYPE; Duchenne Muscular Dystrophy (DMD). Identifiers: Orphanet 98896, MedGen C0013264, MONDO:0010679, OMIM 310200.
Becker muscular dystrophy (BMD). Also called: Becker Muscular Dystrophy (BMD); MUSCULAR DYSTROPHY, PSEUDOHYPERTROPHIC PROGRESSIVE, BECKER TYPE. Identifiers: Orphanet 98895, MedGen C0917713, MONDO:0010311, OMIM 300376.

Submissions (2):

Labcorp Genetics (formerly Invitae), Labcorp
Classification: Uncertain significance for Duchenne muscular dystrophy. Last evaluated: 2020-02-06. Review status: criteria provided, single submitter. Criteria: Invitae Variant Classification Sherloc (09022015). Collection method: clinical testing. Allele origin: germline.
Comment: In summary, the available evidence is currently insufficient to determine the role of this variant in disease. Therefore, it has been classified as a Variant of Uncertain Significance. Algorithms developed to predict the effect of missense changes on protein structure and function (SIFT, PolyPhen-2, Align-GVGD) all suggest that this variant is likely to be tolerated, but these predictions have not been confirmed by published functional studies and their clinical significance is uncertain. This variant has not been reported in the literature in individuals with DMD-related conditions. This variant is not present in population databases (ExAC no frequency). This sequence change replaces lysine with glutamic acid at codon 2087 of the DMD protein (p.Lys2087Glu). The lysine residue is weakly conserved and there is a small physicochemical difference between lysine and glutamic acid.

Natera, Inc.
Classification: Uncertain significance for Becker muscular dystrophy; Cardiomyopathy; Duchenne muscular dystrophy; Dystrophin deficiency. Last evaluated: 2021-07-20. Review status: no assertion criteria provided. Collection method: clinical testing. Allele origin: germline. Not counted in ClinVar's aggregate classification.